The following is an entry in ClinVar:

NM_002691.4(POLD1):c.1207C>A (p.Leu403Ile)

Gene: POLD1 (DNA polymerase delta 1, catalytic subunit; plus strand). Cytogenetic location: 19q13.33.
Variant type: single nucleotide variant.
Coding change: c.1207C>A on transcript NM_002691.4 (MANE Select); coding-DNA position 1207, C replaced by A.
Protein change: p.Leu403Ile; replaces leucine 403 with isoleucine.
Molecular consequence: missense variant. On other transcripts: non-coding transcript variant (1).
Genome position (GRCh38, 1-based): chr19:50,403,562, C>A. VCF-style: chr19-50403562-C-A. GRCh37 (hg19) VCF-style: chr19-50906819-C-A.
Other names: c.1207C>A, p.Leu403Ile (NM_001256849.1, NM_001308632.1); c.1207C>A (NM_002691.2); short protein forms L403I.
Identifiers: ClinVar variation 1024682 (VCV001024682.9), dbSNP rs1466617082, ClinGen allele CA406978579.
Genomic context (GRCh38, chr19:50,403,562, plus strand): 5'-ACCTTCATCCGTATCATGGACCCCGACGTGATCACCGGTTACAACATCCAGAACTTCGAC[C>A]TTCCGTACCTCATCTCTCGGGCCCAGACCCTCAAGGTGAGGGCTGGGCAGGTGGGAGGCT-3'
Protein context (NP_002682.2, residues 393-413): ITGYNIQNFD[Leu403Ile]PYLISRAQTL

ClinVar aggregate classification (germline): Uncertain significance. Review status: criteria provided, multiple submitters, no conflicts (2 of 4 stars). 2 submissions from 2 submitters: Uncertain significance (2). Last evaluated 2026-06-06.

Conditions:
Hereditary cancer-predisposing syndrome. Also called: Tumor predisposition; Hereditary Cancer Syndrome; Hereditary neoplastic syndrome; Neoplastic Syndromes, Hereditary. Identifiers: Orphanet 140162, MedGen C0027672, MeSH D009386, MONDO:0015356.
POLD1-related polyposis and colorectal cancer syndrome (CRCS10). Also called: Colorectal cancer 10; COLORECTAL CANCER, SUSCEPTIBILITY TO, ON CHROMOSOME 19q; Colorectal cancer, susceptibility to, 10. Identifiers: Orphanet 220460, MedGen C2675481, MONDO:0012953, OMIM 612591.

Allele frequency attached by ClinVar (database versions not stated): gnomAD exomes below 0.00001.
gnomAD v4.1: 1 of 1,613,824 alleles (0.000062%); highest among the groups gnomAD compares: East Asian, 0.0022%; no homozygotes.

Submissions (2):

Ambry Genetics
Classification: Uncertain significance for Hereditary cancer-predisposing syndrome. Last evaluated: 2026-06-06. Review status: criteria provided, single submitter. Criteria: Ambry Variant Classification Scheme 2023. Collection method: clinical testing. Allele origin: germline.
Comment: The p.L403I variant (also known as c.1207C>A), located in coding exon 9 of the POLD1 gene, results from a C to A substitution at nucleotide position 1207. The leucine at codon 403 is replaced by isoleucine, an amino acid with highly similar properties. This amino acid position is conserved. In addition, this alteration is predicted to be tolerated by in silico analysis. Based on the available evidence, the clinical significance of this variant remains unclear.

Labcorp Genetics (formerly Invitae), Labcorp
Classification: Uncertain significance for POLD1-related polyposis and colorectal cancer syndrome. Last evaluated: 2020-05-29. Review status: criteria provided, single submitter. Criteria: Invitae Variant Classification Sherloc (09022015). Collection method: clinical testing. Allele origin: germline.
Comment: This sequence change replaces leucine with isoleucine at codon 403 of the POLD1 protein (p.Leu403Ile). The leucine residue is moderately conserved and there is a small physicochemical difference between leucine and isoleucine. This variant is not present in population databases (ExAC no frequency). This variant has not been reported in the literature in individuals with POLD1-related conditions. Algorithms developed to predict the effect of missense changes on protein structure and function (SIFT, PolyPhen-2, Align-GVGD) all suggest that this variant is likely to be tolerated, but these predictions have not been confirmed by published functional studies and their clinical significance is uncertain. In summary, the available evidence is currently insufficient to determine the role of this variant in disease. Therefore, it has been classified as a Variant of Uncertain Significance.